The following is an entry in ClinVar:

NM_005677.4(COLQ):c.134G>A (p.Arg45His)

Gene: COLQ (collagen like tail subunit of asymmetric acetylcholinesterase; minus strand). Cytogenetic location: 3p25.1.
Variant type: single nucleotide variant.
Coding change: c.134G>A on transcript NM_005677.4 (MANE Select); coding-DNA position 134, G replaced by A.
Protein change: p.Arg45His; replaces arginine 45 with histidine.
Molecular consequence: missense variant.
Genome position (GRCh38, 1-based): chr3:15,489,610, C>T on the plus strand (G>A on the coding strand, the complement: COLQ is on the minus strand). VCF-style: chr3-15489610-C-T. GRCh37 (hg19) VCF-style: chr3-15531117-C-T.
Other names: c.104G>A, p.Arg35His (NM_080538.2); c.134G>A, p.Arg45His (NM_080539.4); short protein forms R45H, R35H.
Identifiers: ClinVar variation 1463625 (VCV001463625.4), dbSNP rs761717418, ClinGen allele CA2276322.

ClinVar aggregate classification (germline): Uncertain significance (1 of 4 stars; one submission).

Conditions:
Congenital myasthenic syndrome 5. Identifiers: Orphanet 590, MedGen C1864233, MONDO:0011281, OMIM 603034.

gnomAD v4.1: 42 of 1,614,020 alleles (0.0026%); highest among the groups gnomAD compares: East Asian, 0.024%; no homozygotes.

Submission:

Labcorp Genetics (formerly Invitae), Labcorp
Classification: Uncertain significance for Congenital myasthenic syndrome 5. Last evaluated: 2024-01-24. Review status: criteria provided, single submitter. Criteria: Invitae Variant Classification Sherloc (09022015). Collection method: clinical testing. Allele origin: germline.
Comment: This sequence change replaces arginine, which is basic and polar, with histidine, which is basic and polar, at codon 45 of the COLQ protein (p.Arg45His). This variant is present in population databases (rs761717418, gnomAD 0.03%). This variant has not been reported in the literature in individuals affected with COLQ-related conditions. ClinVar contains an entry for this variant (Variation ID: 1463625). Advanced modeling of protein sequence and biophysical properties (such as structural, functional, and spatial information, amino acid conservation, physicochemical variation, residue mobility, and thermodynamic stability) performed at Invitae indicates that this missense variant is not expected to disrupt COLQ protein function with a negative predictive value of 80%. In summary, the available evidence is currently insufficient to determine the role of this variant in disease. Therefore, it has been classified as a Variant of Uncertain Significance.